The following is an entry in ClinVar:

NM_032776.3(JMJD1C):c.4610A>G (p.Gln1537Arg)

Gene: JMJD1C (jumonji domain containing 1C; minus strand). Cytogenetic location: 10q21.3.
Variant type: single nucleotide variant.
Coding change: c.4610A>G on transcript NM_032776.3 (MANE Select); coding-DNA position 4610, A replaced by G.
Protein change: p.Gln1537Arg; replaces glutamine 1537 with arginine.
Molecular consequence: missense variant. On other transcripts: non-coding transcript variant (1).
Genome position (GRCh38, 1-based): chr10:63,207,059, T>C on the plus strand (A>G on the coding strand, the complement: JMJD1C is on the minus strand). VCF-style: chr10-63207059-T-C. GRCh37 (hg19) VCF-style: chr10-64966819-T-C.
Other names: c.4064A>G, p.Gln1355Arg (NM_001282948.2, NM_001318154.2); c.3746A>G, p.Gln1249Arg (NM_001318153.2); c.4496A>G, p.Gln1499Arg (NM_001322252.2); c.3953A>G, p.Gln1318Arg (NM_001322254.2, NM_001322258.2); short protein forms Q1249R, Q1355R, Q1499R, Q1318R, Q1537R.
Identifiers: ClinVar variation 1409955 (VCV001409955.6), dbSNP rs1846714784, ClinGen allele CA377037007.

ClinVar aggregate classification (germline): Uncertain significance (1 of 4 stars; one submission).

Conditions:
Early Myoclonic Encephalopathy. Identifiers: MedGen C0270855.

Allele frequency attached by ClinVar (database versions not stated): TOPMed 0.00001.

Submission:

Labcorp Genetics (formerly Invitae), Labcorp
Classification: Uncertain significance for Early Myoclonic Encephalopathy. Last evaluated: 2024-02-23. Review status: criteria provided, single submitter. Criteria: Invitae Variant Classification Sherloc (09022015). Collection method: clinical testing. Allele origin: germline.
Comment: This sequence change replaces glutamine, which is neutral and polar, with arginine, which is basic and polar, at codon 1537 of the JMJD1C protein (p.Gln1537Arg). This variant is not present in population databases (gnomAD no frequency). This variant has not been reported in the literature in individuals affected with JMJD1C-related conditions. ClinVar contains an entry for this variant (Variation ID: 1409955). Advanced modeling of protein sequence and biophysical properties (such as structural, functional, and spatial information, amino acid conservation, physicochemical variation, residue mobility, and thermodynamic stability) performed at Invitae indicates that this missense variant is not expected to disrupt JMJD1C protein function with a negative predictive value of 80%. In summary, the available evidence is currently insufficient to determine the role of this variant in disease. Therefore, it has been classified as a Variant of Uncertain Significance.